The following is an entry in ClinVar:

NM_012293.3(PXDN):c.2999C>G (p.Thr1000Arg)

Gene: PXDN (peroxidasin; minus strand). Cytogenetic location: 2p25.3.
Variant type: single nucleotide variant.
Coding change: c.2999C>G on transcript NM_012293.3 (MANE Select); coding-DNA position 2999, C replaced by G.
Protein change: p.Thr1000Arg; replaces threonine 1000 with arginine.
Molecular consequence: missense variant.
Genome position (GRCh38, 1-based): chr2:1,648,781, G>C on the plus strand (C>G on the coding strand, the complement: PXDN is on the minus strand). VCF-style: chr2-1648781-G-C. GRCh37 (hg19) VCF-style: chr2-1652553-G-C.
Other names: short protein forms T1000R.
Identifiers: ClinVar variation 977092 (VCV000977092.1), dbSNP rs201077249, ClinGen allele CA345703876.

ClinVar aggregate classification (germline): Uncertain significance (1 of 4 stars; one submission).

Conditions:
Anterior segment dysgenesis 7 (ASGD7). Also called: Anterior segment dysgenesis 7, with sclerocornea; SCLEROCORNEA WITH OTHER OCULAR ANOMALIES. Identifiers: Orphanet 289499, MedGen C3151617, MONDO:0010015, OMIM 269400.

Allele frequency attached by ClinVar (database versions not stated): TOPMed 0.00001.
gnomAD v4.1: 5 of 1,604,100 alleles (0.00031%); highest among the groups gnomAD compares: Non-Finnish European, 0.00043%; no homozygotes.

Submission:

Johns Hopkins Genomics, Johns Hopkins University
Classification: Uncertain significance for Anterior segment dysgenesis 7. Last evaluated: 2020-06-10. Review status: criteria provided, single submitter. Criteria: ACMG Guidelines, 2015. Collection method: clinical testing. Allele origin: germline.
Comment: This PXDN variant is absent from a large population dataset, and has not been reported in the literature to our knowledge. Three bioinformatic tools queried predict that p.Thr1000Arg would be tolerated, and the threonine residue at this position is weakly conserved across the species assessed. This variant is not predicted to affect normal exon 17 splicing, although this has not been confirmed experimentally to our knowledge. This variant alone is not likely to cause ASGD7. We consider the clinical significance of c.2999C>G to be uncertain at this time.

Literature cited by the submitters: PubMed 21474777; PubMed 21907015; PubMed 24939590.